The following is an entry in ClinVar:

ClinVar aggregate classification (germline): Conflicting classifications of pathogenicity. Review status: criteria provided, conflicting classifications (1 of 4 stars). 4 submissions from 4 submitters: Uncertain significance (1); Benign (1); Likely benign (2). Last evaluated 2026-04-20.

Conditions:
Type II complement component 8 deficiency. Also called: COMPLEMENT C8 DEFICIENCY, TYPE II; C8 BETA DEFICIENCY; C8B DEFICIENCY; COMPLEMENT COMPONENT 8B DEFICIENCY. Identifiers: MedGen C3151080, MONDO:0013421, OMIM 613789.

Allele frequency attached by ClinVar (database versions not stated): ExAC 0.00064; ESP Exome Variant Server 0.00254; 1000 Genomes Project 30x 0.00281; 1000 Genomes Project 0.00300.
gnomAD v4.1: 709 of 1,613,954 alleles (0.044%); highest among the groups gnomAD compares: African/African-American, 0.76%; 5 homozygotes.

Submissions (4):

Women's Health and Genetics/Laboratory Corporation of America, LabCorp
Classification: Likely benign. Last evaluated: 2026-04-20. Review status: criteria provided, single submitter. Criteria: LabCorp Variant Classification Summary - May 2015. Collection method: clinical testing. Allele origin: germline.

Labcorp Genetics (formerly Invitae), Labcorp
Classification: Benign. Last evaluated: 2025-12-24. Review status: criteria provided, single submitter. Criteria: Invitae Variant Classification Sherloc (09022015). Collection method: clinical testing. Allele origin: germline.

Blueprint Genetics
Classification: Likely benign. Last evaluated: 2024-11-15. Review status: criteria provided, single submitter. Criteria: ACMG Guidelines, 2015. Collection method: clinical testing. Allele origin: germline.

Center for Genomics, Ann and Robert H. Lurie Children's Hospital of Chicago
Classification: Uncertain significance for Type II complement component 8 deficiency. Last evaluated: 2021-03-30. Review status: criteria provided, single submitter. Criteria: ACMG Guidelines, 2015. Collection method: clinical testing. Allele origin: germline.
Comment: C8B NM_000066.3 exon 9 c.1398+9C>T: This variant has not been reported in the literature but is present in 0.6% (173/24960) of African alleles in the Genome Aggregation Database. Evolutionary conservation and computational predictive tools for this variant are limited or unavailable. This variant is an intronic variant; splice prediction tools suggest that this variant may not affect splicing. However, further studies are needed to understand its impact. In summary, data on this variant is insufficient for disease classification. Therefore, the clinical significance of this variant is uncertain.

NM_000066.4(C8B):c.1398+9C>T

Gene: C8B (complement C8 beta chain; minus strand). Cytogenetic location: 1p32.2.
Variant type: single nucleotide variant.
Coding change: c.1398+9C>T on transcript NM_000066.4 (MANE Select); 9 bases into the intron after coding-DNA position 1398, C replaced by T.
Molecular consequence: intron variant.
Genome position (GRCh38, 1-based): chr1:56,940,840, G>A on the plus strand (C>T on the coding strand, the complement: C8B is on the minus strand). VCF-style: chr1-56940840-G-A. GRCh37 (hg19) VCF-style: chr1-57406513-G-A.
Other names: c.1212+9C>T (NM_001278544.2); c.1242+9C>T (NM_001278543.2).
Identifiers: ClinVar variation 1167442 (VCV001167442.12), dbSNP rs116348786, ClinGen allele CA875657.